The following is an entry in ClinVar:

ClinVar aggregate classification (germline): Benign/Likely benign. Review status: criteria provided, multiple submitters, no conflicts (2 of 4 stars). 8 submissions from 8 submitters: Benign (3); Likely benign (3). 2 of the submissions do not count toward it. Last evaluated 2026-01-30.

Conditions:
Autosomal recessive spinocerebellar ataxia 13. Identifiers: Orphanet 324262, MedGen C3553816, MONDO:0013905, OMIM 614831.
Spinocerebellar ataxia 44. Identifiers: Orphanet 631095, MedGen C4521563, MONDO:0033479, OMIM 617691.

Allele frequency attached by ClinVar (database versions not stated): ESP Exome Variant Server 0.00609; gnomAD 0.00611 and 0.00646; TOPMed 0.00643; 1000 Genomes Project 30x 0.00515; 1000 Genomes Project 0.00559.
gnomAD v4.1: 3,260 of 1,613,760 alleles (0.2%); highest among the groups gnomAD compares: African/African-American, 1.7%; 21 homozygotes.

Submissions (8):

Labcorp Genetics (formerly Invitae), Labcorp
Classification: Benign. Last evaluated: 2026-01-30. Review status: criteria provided, single submitter. Criteria: Invitae Variant Classification Sherloc (09022015). Collection method: clinical testing. Allele origin: germline.

Mayo Clinic Laboratories, Mayo Clinic
Classification: Benign. Last evaluated: 2023-12-13. Review status: criteria provided, single submitter. Criteria: ACMG Guidelines, 2015. Collection method: clinical testing. Allele origin: germline. Observed: 4 variant alleles.
Comment: BS1, BS2, BP4

Fulgent Genetics
Classification: Likely benign for Autosomal recessive spinocerebellar ataxia 13; Spinocerebellar ataxia 44. Last evaluated: 2021-08-26. Review status: criteria provided, single submitter. Criteria: ACMG Guidelines, 2015. Collection method: clinical testing. Allele origin: unknown.

Athena Diagnostics
Classification: Benign. Last evaluated: 2018-12-20. Review status: criteria provided, single submitter. Criteria: Athena Diagnostics Criteria. Collection method: clinical testing. Allele origin: germline.

Center for Pediatric Genomic Medicine, Children's Mercy Hospital and Clinics
Classification: Likely benign. Last evaluated: 2017-06-15. Review status: criteria provided, single submitter. Criteria: ACMG Guidelines, 2015. Collection method: clinical testing. Allele origin: germline.

Breakthrough Genomics
Classification: Likely benign. Review status: criteria provided, single submitter. Criteria: ACMG Guidelines, 2015. Collection method: not provided. Allele origin: germline. Inheritance: Autosomal recessive inheritance. Affected: yes.

Clinical Genetics DNA and cytogenetics Diagnostics Lab, Erasmus MC, Erasmus Medical Center
Classification: Benign. Review status: no assertion criteria provided. Collection method: clinical testing. Allele origin: germline. Affected: yes. Study: VKGL Data-share Consensus. Not counted in ClinVar's aggregate classification.

Laboratory of Diagnostic Genome Analysis, Leiden University Medical Center (LUMC)
Classification: Likely benign. Review status: no assertion criteria provided. Collection method: clinical testing. Allele origin: germline. Affected: yes. Study: VKGL Data-share Consensus. Not counted in ClinVar's aggregate classification.

Literature cited by the submitters: PubMed 22448230 (cited by Athena Diagnostics); PubMed 19924463 (cited by Athena Diagnostics).

NM_001278064.2(GRM1):c.3214C>G (p.Pro1072Ala)

Gene: GRM1 (glutamate metabotropic receptor 1; plus strand). Cytogenetic location: 6q24.3.
Variant type: single nucleotide variant.
Coding change: c.3214C>G on transcript NM_001278064.2 (MANE Select); coding-DNA position 3214, C replaced by G.
Protein change: p.Pro1072Ala; replaces proline 1072 with alanine.
Molecular consequence: missense variant. On other transcripts: 3 prime UTR variant (3).
Genome position (GRCh38, 1-based): chr6:146,434,425, C>G. VCF-style: chr6-146434425-C-G. GRCh37 (hg19) VCF-style: chr6-146755561-C-G.
Other names: p.Pro1072Ala; c.*578C>G (NM_001278065.2); c.*543C>G (NM_001278066.1); c.*452C>G (NM_001278067.1); short protein forms P1072A.
Identifiers: ClinVar variation 445990 (VCV000445990.17), dbSNP rs146753539, ClinGen allele CA4037654.
Genomic context (GRCh38, chr6:146,434,425, plus strand): 5'-CTGGCAGGCCCCGGTGGTCCCGGGAACGGGCTGCGGTCCCTGTACCCGCCCCCGCCACCT[C>G]CGCAGCACCTGCAGATGCTGCCGCTGCAGCTGAGCACCTTTGGGGAGGAGCTGGTCTCCC-3'
Protein context (NP_001264993.1, residues 1062-1082): LRSLYPPPPP[Pro1072Ala]QHLQMLPLQL